The following is an entry in ClinVar:

NM_003108.4(SOX11):c.1286G>A (p.Trp429Ter)

Gene: SOX11 (SRY-box transcription factor 11; plus strand). Cytogenetic location: 2p25.2.
Variant type: single nucleotide variant.
Coding change: c.1286G>A on transcript NM_003108.4 (MANE Select); coding-DNA position 1286, G replaced by A.
Protein change: p.Trp429Ter; replaces tryptophan 429 with a stop codon.
Molecular consequence: nonsense.
Genome position (GRCh38, 1-based): chr2:5,694,007, G>A. VCF-style: chr2-5694007-G-A. GRCh37 (hg19) VCF-style: chr2-5834139-G-A.
Other names: short protein forms W429*.
Identifiers: ClinVar variation 374396 (VCV000374396.1), dbSNP rs1057518672, ClinGen allele CA16043657.

ClinVar aggregate classification (germline): Pathogenic (0 of 4 stars; one submission).

Conditions:
Intellectual developmental disorder with microcephaly and with or without ocular malformations or hypogonadotropic hypogonadism. Also called: Intellectual disability, autosomal dominant 27; Coffin-Siris Syndrome 9. Identifiers: Orphanet 1465, MedGen C4014528, MONDO:0014376, OMIM 615866.

Submission:

Baylor Genetics
Classification: Pathogenic for Intellectual developmental disorder with microcephaly and with or without ocular malformations or hypogonadotropic hypogonadism. Last evaluated: 2016-05-01. Review status: no assertion criteria provided. Collection method: clinical testing. Allele origin: germline. Inheritance: Autosomal dominant inheritance. Affected: yes.